The following is an entry in ClinVar:

NM_004176.5(SREBF1):c.2960A>G (p.Gln987Arg)

Gene: SREBF1 (sterol regulatory element binding transcription factor 1; minus strand). Cytogenetic location: 17p11.2.
Variant type: single nucleotide variant.
Coding change: c.2960A>G on transcript NM_004176.5 (MANE Select); coding-DNA position 2960, A replaced by G.
Protein change: p.Gln987Arg; replaces glutamine 987 with arginine.
Molecular consequence: missense variant. On other transcripts: non-coding transcript variant (4).
Genome position (GRCh38, 1-based): chr17:17,813,711, T>C on the plus strand (A>G on the coding strand, the complement: SREBF1 is on the minus strand). VCF-style: chr17-17813711-T-C. GRCh37 (hg19) VCF-style: chr17-17717025-T-C.
Other names: c.3050A>G, p.Gln1017Arg (NM_001005291.3); c.2888A>G, p.Gln963Arg (NM_001321096.3); c.3047A>G, p.Gln1016Arg (NM_001388385.1); c.2960A>G, p.Gln987Arg (NM_001388386.1); c.2999A>G, p.Gln1000Arg (NM_001388387.1); c.2915A>G, p.Gln972Arg (NM_001388388.1); c.2954A>G, p.Gln985Arg (NM_001388389.1); c.2942A>G, p.Gln981Arg (NM_001388390.1); and 4 more; short protein forms Q1000R, Q1016R, Q1017R, Q843R, Q860R, Q913R, Q963R, Q972R.
Identifiers: ClinVar variation 2647530 (VCV002647530.24), dbSNP rs553654626, ClinGen allele CA8419505.

ClinVar aggregate classification (germline): Benign (1 of 4 stars; one submission).

Allele frequency attached by ClinVar (database versions not stated): gnomAD 0.00007; gnomAD exomes 0.00010; 1000 Genomes Project 0.00060; 1000 Genomes Project 30x 0.00062; ExAC 0.00067; TOPMed 0.00001.
gnomAD v4.1: 153 of 1,536,744 alleles (0.01%); highest among the groups gnomAD compares: South Asian, 0.14%; 2 homozygotes.

Submission:

CeGaT Center for Human Genetics Tuebingen
Classification: Benign. Last evaluated: 2022-09-01. Review status: criteria provided, single submitter. Criteria: CeGaT Center For Human Genetics Tuebingen Variant Classification Criteria Version 2. Collection method: clinical testing. Allele origin: germline. Affected: yes. Observed: 1 variant allele.
Comment: SREBF1: BS1, BS2